The following is an entry in ClinVar:

ClinVar aggregate classification (germline): Benign (1 of 4 stars; one submission).

Allele frequency attached by ClinVar (database versions not stated): gnomAD 0.15028 and 0.15565; 1000 Genomes Project 0.15276; 1000 Genomes Project 30x 0.15678; TOPMed 0.16191.
gnomAD v4.1: 22,775 of 152,152 alleles (15%); highest among the groups gnomAD compares: African/African-American, 30%; 2,536 homozygotes.

Submission:

GeneDx
Classification: Benign. Last evaluated: 2018-06-14. Review status: criteria provided, single submitter. Criteria: GeneDx Variant Classification (06012015). Collection method: clinical testing. Allele origin: germline. Affected: yes.
Comment: This variant is considered likely benign or benign based on one or more of the following criteria: it is a conservative change, it occurs at a poorly conserved position in the protein, it is predicted to be benign by multiple in silico algorithms, and/or has population frequency not consistent with disease.

NM_004522.3(KIF5C):c.292-186A>T

Gene: KIF5C (kinesin family member 5C; plus strand). Cytogenetic location: 2q23.1.
Variant type: single nucleotide variant.
Coding change: c.292-186A>T on transcript NM_004522.3 (MANE Select); 186 bases into the intron before coding-DNA position 292, A replaced by T.
Molecular consequence: intron variant.
Genome position (GRCh38, 1-based): chr2:148,937,098, A>T. VCF-style: chr2-148937098-A-T. GRCh37 (hg19) VCF-style: chr2-149793612-A-T.
Identifiers: ClinVar variation 682892 (VCV000682892.1), dbSNP rs73966656, ClinGen allele CA11163884.